The following is an entry in ClinVar:

ClinVar aggregate classification (germline): Likely benign. Review status: criteria provided, multiple submitters, no conflicts (2 of 4 stars). 2 submissions from 2 submitters: Likely benign (2). Last evaluated 2025-11-17.

Conditions:
Familial cancer of breast. Also called: Hereditary breast cancer; hereditary breast carcinoma; BREAST CANCER, FAMILIAL. Identifiers: Orphanet 227535, MedGen C0346153, MONDO:0016419, OMIM 114480. Disease mechanism: loss of function.
Ataxia-telangiectasia syndrome (AT). Also called: Ataxia telangiectasia (A-T); ATAXIA-TELANGIECTASIA, COMPLEMENTATION GROUP A; ATAXIA-TELANGIECTASIA, FRESNO VARIANT; Ataxia-telangiectasia; Ataxia-telangiectasia, complementation group E; Cerebello-oculocutaneous telangiectasia. Identifiers: Orphanet 100, MedGen C0004135, MONDO:0008840, OMIM 208900.

Allele frequency attached by ClinVar (database versions not stated): gnomAD exomes below 0.00001.
gnomAD v4.1: 1 of 1,594,122 alleles (0.000063%); highest among the groups gnomAD compares: East Asian, 0.0022%; no homozygotes.

Submissions (2):

Labcorp Genetics (formerly Invitae), Labcorp
Classification: Likely benign for Ataxia-telangiectasia syndrome. Last evaluated: 2025-11-17. Review status: criteria provided, single submitter. Criteria: Invitae Variant Classification Sherloc (09022015). Collection method: clinical testing. Allele origin: germline.

Myriad Genetics, Inc.
Classification: Likely benign for Familial cancer of breast. Last evaluated: 2024-04-23. Review status: criteria provided, single submitter. Criteria: Myriad Autosomal Dominant, Autosomal Recessive and X-Linked Classification Criteria (2023). Collection method: clinical testing. Allele origin: unknown.
Comment: This variant is considered likely benign. This variant is intronic and is not expected to impact mRNA splicing.

NM_000051.4(ATM):c.902-15T>C

Gene: ATM (ATM serine/threonine kinase; plus strand). Cytogenetic location: 11q22.3.
Variant type: single nucleotide variant.
Coding change: c.902-15T>C on transcript NM_000051.4 (MANE Select); 15 bases into the intron before coding-DNA position 902, T replaced by C.
Molecular consequence: intron variant.
Genome position (GRCh38, 1-based): chr11:108,246,949, T>C. VCF-style: chr11-108246949-T-C. GRCh37 (hg19) VCF-style: chr11-108117676-T-C.
Other names: c.902-15T>C (NM_001351834.2).
Identifiers: ClinVar variation 1553413 (VCV001553413.9), dbSNP rs2135264272, ClinGen allele CA2573146387.
Genomic context (GRCh38, chr11:108,246,949, plus strand): 5'-GAATAATTTTGTGGGAGCTAGCAGTGTAAACAGAGTACATACATAAAAATTACATTTTAA[T>C]TTTTTGGATTACAGGTGCTTATGAATCAACAAAATGGAGAAGTATTTTATACAACTTATA-3'